The following is an entry in ClinVar:

ClinVar aggregate classification (germline): Likely pathogenic (1 of 4 stars; one submission).

Conditions:
Autosomal recessive limb-girdle muscular dystrophy type 2A (LGMDR1). Also called: LEYDEN-MOEBIUS MUSCULAR DYSTROPHY; MUSCULAR DYSTROPHY, PELVOFEMORAL; Muscular dystrophy, limb-girdle, type 2A, Amish; Limb-girdle muscular dystrophy, type 2A; Calpainopathy. Identifiers: Orphanet 267, MedGen C1869123, MONDO:0009675, OMIM 253600. Disease mechanism: loss of function.

Submission:

Neuberg Centre For Genomic Medicine, NCGM
Classification: Likely pathogenic for Autosomal recessive limb-girdle muscular dystrophy type 2A. Last evaluated: 2023-06-22. Review status: criteria provided, single submitter. Criteria: ACMG Guidelines, 2015. Collection method: clinical testing. Allele origin: germline. Inheritance: Autosomal recessive inheritance. Affected: yes.
Comment: The missense c.632A>G(p.Lys211Arg) variantadjacent to splice region in CAPN3 gene has not been reported previously as a pathogenic variant nor as a benign variant, to our knowledge. The p.Lys211Arg variant is absent in gnomAD Exomes. This variant has not been submitted to the ClinVar database. Multiple lines of computational evidence (Polyphen - Probably Damaging, SIFT - Damaging and MutationTaster - Disease causing) predict damaging effect on protein structure and function for this variant. The reference amino acid at this position in CAPN3 is predicted as conserved by GERP++ and PhyloP across 100 vertebrates. Another missense [c.633G>C;p.Lys211Asn] variant at the same protein residue p.Lys211Asn has been reported previously as Likely Pathogenic in an individual affected with limb girdle muscular dystrophy (Groen EJ, et. al., 2007). The amino acid Lys at position 211 is changed to a Arg changing protein sequence and it might alter its composition and physico-chemical properties. For these reasons, this variant has been classified as Likely Pathogenic.

NM_000070.3(CAPN3):c.632A>G (p.Lys211Arg)

Gene: CAPN3 (calpain 3; plus strand). Cytogenetic location: 15q15.1.
Variant type: single nucleotide variant.
Coding change: c.632A>G on transcript NM_000070.3 (MANE Select); coding-DNA position 632, A replaced by G.
Protein change: p.Lys211Arg; replaces lysine 211 with arginine.
Molecular consequence: missense variant.
Genome position (GRCh38, 1-based): chr15:42,387,886, A>G. VCF-style: chr15-42387886-A-G. GRCh37 (hg19) VCF-style: chr15-42680084-A-G.
Other names: c.632A>G, p.Lys211Arg (NM_024344.2, NM_173087.2); short protein forms K211R.
Identifiers: ClinVar variation 3731480 (VCV003731480.1).